The following is an entry in ClinVar:

ClinVar aggregate classification (germline): Uncertain significance (1 of 4 stars; one submission).

gnomAD v4.1: 2 of 1,613,710 alleles (0.00012%); highest among the groups gnomAD compares: African/African-American, 0.0013%; no homozygotes.

Submission:

Labcorp Genetics (formerly Invitae), Labcorp
Classification: Uncertain significance. Last evaluated: 2024-05-06. Review status: criteria provided, single submitter. Criteria: Invitae Variant Classification Sherloc (09022015). Collection method: clinical testing. Allele origin: germline.
Comment: This sequence change replaces leucine, which is neutral and non-polar, with valine, which is neutral and non-polar, at codon 299 of the FOCAD protein (p.Leu299Val). This variant is present in population databases (no rsID available, gnomAD 0.01%). This variant has not been reported in the literature in individuals affected with FOCAD-related conditions. Algorithms developed to predict the effect of missense changes on protein structure and function output the following: SIFT: "Not Available"; PolyPhen-2: "Not Available"; Align-GVGD: "Not Available". The valine amino acid residue is found in multiple mammalian species, which suggests that this missense change does not adversely affect protein function. In summary, the available evidence is currently insufficient to determine the role of this variant in disease. Therefore, it has been classified as a Variant of Uncertain Significance.

NM_001375567.1(FOCAD):c.895C>G (p.Leu299Val)

Gene: FOCAD (focadhesin; plus strand). Cytogenetic location: 9p21.3.
Variant type: single nucleotide variant.
Coding change: c.895C>G on transcript NM_001375567.1 (MANE Select); coding-DNA position 895, C replaced by G.
Protein change: p.Leu299Val; replaces leucine 299 with valine.
Molecular consequence: missense variant.
Genome position (GRCh38, 1-based): chr9:20,770,227, C>G. VCF-style: chr9-20770227-C-G. GRCh37 (hg19) VCF-style: chr9-20770226-C-G.
Other names: c.895C>G, p.Leu299Val (NM_001375568.1, NM_017794.5); c.790C>G, p.Leu264Val (NM_001375570.1); short protein forms L299V, L264V.
Identifiers: ClinVar variation 3652303 (VCV003652303.2).